The following is an entry in ClinVar:

NC_000002.11:g.(?_55526955)_(55539735_?)del

Gene: CCDC88A (coiled-coil domain containing 88A; minus strand). Cytogenetic location: 2p16.1.
Variant type: Deletion.
Identifiers: ClinVar variation 3247482 (VCV003247482.1).

ClinVar aggregate classification (germline): Pathogenic (1 of 4 stars; one submission).

Submission:

Labcorp Genetics (formerly Invitae), Labcorp
Classification: Pathogenic. Last evaluated: 2023-03-18. Review status: criteria provided, single submitter. Criteria: Invitae Variant Classification Sherloc (09022015). Collection method: clinical testing. Allele origin: unknown.
Comment: For these reasons, this variant has been classified as Pathogenic. This variant has not been reported in the literature in individuals affected with CCDC88A-related conditions. This variant is a gross deletion of the genomic region encompassing exon(s) 23-29 of the CCDC88A gene. This deletion is out-of-frame, and is expected to create a premature termination codon and result in an absent or disrupted protein product. Loss-of-function variants in CCDC88A are known to be pathogenic (PMID: 26917597, 30392057).

Literature cited by the submitters: PubMed 26917597; PubMed 30392057.